The following is an entry in ClinVar:

ClinVar aggregate classification (germline): Uncertain significance (1 of 4 stars; one submission).

Conditions:
Global developmental delay with or without impaired intellectual development. Identifiers: MedGen C5193032, MONDO:0032680, OMIM 618330.

Submission:

Neuberg Centre For Genomic Medicine, NCGM
Classification: Uncertain significance for Global developmental delay with or without impaired intellectual development. Last evaluated: 2023-07-22. Review status: criteria provided, single submitter. Criteria: ACMG Guidelines, 2015. Collection method: clinical testing. Allele origin: germline. Inheritance: Autosomal dominant inheritance. Affected: yes.
Comment: The observed missense variant c.1573C>Tp.Arg525Cys in CUX1 gene has not been reported previously as a pathogenic variant nor as a benign variant, to our knowledge. The p.Arg525Cys variant is reported with 0.0004% allele frequency in gnomAD Exomes. The amino acid Arg at position 525 is changed to a Cys changing protein sequence and it might alter its composition and physico-chemical properties. The variant is predicted to be damaging by SIFT. The reference amino acid p.Arg525Cys in CUX1 is predicted as conserved by GERP++ and PhyloP across 100 vertebrates. For these reasons, this variant has been classified as Uncertain Significance.

NM_001913.5(CUX1):c.1621C>T (p.Arg541Cys)

Gene: CUX1 (cut like homeobox 1; plus strand). Cytogenetic location: 7q22.1.
Variant type: single nucleotide variant.
Coding change: c.1621C>T on transcript NM_001913.5 (MANE Plus Clinical); coding-DNA position 1621, C replaced by T.
Protein change: p.Arg541Cys; replaces arginine 541 with cysteine.
Molecular consequence: missense variant.
Genome position (GRCh38, 1-based): chr7:102,278,006, C>T. VCF-style: chr7-102278006-C-T. GRCh37 (hg19) VCF-style: chr7-101921277-C-T.
Other names: c.1573C>T, p.Arg525Cys (NM_001202544.3); c.1483C>T, p.Arg495Cys (NM_001202545.3); c.1504C>T, p.Arg502Cys (NM_001202546.3); c.1615C>T, p.Arg539Cys (NM_181500.4); short protein forms R495C, R502C, R525C, R539C, R541C.
Identifiers: ClinVar variation 3391239 (VCV003391239.1).